The following is an entry in ClinVar:

NM_014053.4(FLVCR1):c.595C>T (p.Leu199Phe)

Gene: FLVCR1 (FLVCR choline and heme transporter 1; plus strand). Cytogenetic location: 1q32.3.
Variant type: single nucleotide variant.
Coding change: c.595C>T on transcript NM_014053.4 (MANE Select); coding-DNA position 595, C replaced by T.
Protein change: p.Leu199Phe; replaces leucine 199 with phenylalanine.
Molecular consequence: missense variant.
Genome position (GRCh38, 1-based): chr1:212,859,047, C>T. VCF-style: chr1-212859047-C-T. GRCh37 (hg19) VCF-style: chr1-213032389-C-T.
Other names: short protein forms L199F.
Identifiers: ClinVar variation 295315 (VCV000295315.20), dbSNP rs41296694, ClinGen allele CA1385917.
Genomic context (GRCh38, chr1:212,859,047, plus strand): 5'-CTGGGCTCCGGCCTCAACTGCCTGGGTGCCTGGATCAAGTGCGGCAGTGTGCAGCAGCAT[C>T]TCTTCTGGGTCACCATGTTGGGCCAGTGCTTGTGCTCGGTGGCCCAGGTGTTCATCCTGG-3'
Protein context (NP_054772.1, residues 189-209): WIKCGSVQQH[Leu199Phe]FWVTMLGQCL

ClinVar aggregate classification (germline): Uncertain significance. Review status: criteria provided, multiple submitters, no conflicts (2 of 4 stars). 12 submissions from 12 submitters: Uncertain significance (10). 2 of the submissions do not count toward it. Last evaluated 2026-08-06.

Conditions:
Inborn genetic diseases. Identifiers: MedGen C0950123, MeSH D030342.
FLVCR1-related disorder. Also called: FLVCR1-related condition.
Posterior column ataxia-retinitis pigmentosa syndrome (RETSNS). Also called: RETINOPATHY-SENSORY NEUROPATHY SYNDROME. Identifiers: Orphanet 88628, MedGen C1836916, MONDO:0012177, OMIM 609033.

Allele frequency attached by ClinVar (database versions not stated): ESP Exome Variant Server 0.00008; gnomAD exomes 0.00009; gnomAD 0.00026 and 0.00027; TOPMed 0.00035; 1000 Genomes Project 0.00040; 1000 Genomes Project 30x 0.00062.
gnomAD v4.1: 191 of 1,612,494 alleles (0.012%); highest among the groups gnomAD compares: Middle Eastern, 0.13%; no homozygotes.

Submissions (12):

OLLIN Analises Genomicas, OLLIN
Classification: Uncertain significance. Last evaluated: 2026-08-06. Review status: criteria provided, single submitter. Criteria: ACMG Guidelines 2015 PMID 25741868. Collection method: clinical testing. Allele origin: germline.
Comment: This missense variant, located in exon 1 (of 10), has been reported in ClinVar (accession VCV000295315.18) and in gnomAD with an allele frequency of 0.012%. However, to our knowledge, it has not been reported in the scientific literature. In silico analysis is inconclusive regarding the impact of this variant. According to the currently available evidence, this variant has been classified as uncertain significance (PM2_P).

PreventionGenetics, part of Exact Sciences
Classification: Uncertain significance for FLVCR1-related condition. Last evaluated: 2026-07-20. Review status: criteria provided, single submitter. Criteria: ACMG Guidelines, 2015. Collection method: clinical testing. Allele origin: germline.
Comment: The FLVCR1 c.595C>T variant is predicted to result in the amino acid substitution p.Leu199Phe. To our knowledge, this variant has not been reported in the literature. This variant is reported in 0.079% of alleles in individuals of Latino descent in gnomAD, which is likely too frequent to be a primary cause of disease. Although we suspect that this variant may be benign, at this time, the clinical significance of this variant is uncertain due to the absence of conclusive functional and genetic evidence.

Women's Health and Genetics/Laboratory Corporation of America, LabCorp
Classification: Uncertain significance. Last evaluated: 2025-09-08. Review status: criteria provided, single submitter. Criteria: LabCorp Variant Classification Summary - May 2015. Collection method: clinical testing. Allele origin: germline.
Comment: Variant summary: FLVCR1 c.595C>T (p.Leu199Phe) results in a non-conservative amino acid change in the encoded protein sequence. Algorithms developed to predict the effect of missense changes on protein structure and function all suggest that this variant is likely to be disruptive. The variant allele was found at a frequency of 0.00018 in 250250 control chromosomes. This frequency is not significantly higher than estimated for disease-causing variants in FLVCR1, allowing no conclusion about variant significance. To our knowledge, no occurrence of c.595C>T in individuals affected with FLVCR1-related conditions and no experimental evidence demonstrating its impact on protein function have been reported. ClinVar contains an entry for this variant (Variation ID: 295315). Based on the evidence outlined above, the variant was classified as uncertain significance.

Labcorp Genetics (formerly Invitae), Labcorp
Classification: Uncertain significance. Last evaluated: 2024-11-11. Review status: criteria provided, single submitter. Criteria: Invitae Variant Classification Sherloc (09022015). Collection method: clinical testing. Allele origin: germline.
Comment: This sequence change replaces leucine, which is neutral and non-polar, with phenylalanine, which is neutral and non-polar, at codon 199 of the FLVCR1 protein (p.Leu199Phe). This variant is present in population databases (rs41296694, gnomAD 0.08%). This variant has not been reported in the literature in individuals affected with FLVCR1-related conditions. ClinVar contains an entry for this variant (Variation ID: 295315). Invitae Evidence Modeling of protein sequence and biophysical properties (such as structural, functional, and spatial information, amino acid conservation, physicochemical variation, residue mobility, and thermodynamic stability) indicates that this missense variant is expected to disrupt FLVCR1 protein function with a positive predictive value of 80%. In summary, the available evidence is currently insufficient to determine the role of this variant in disease. Therefore, it has been classified as a Variant of Uncertain Significance.

Blueprint Genetics
Classification: Uncertain significance. Last evaluated: 2024-09-25. Review status: criteria provided, single submitter. Criteria: ACMG Guidelines, 2015. Collection method: clinical testing. Allele origin: germline.

Mayo Clinic Laboratories, Mayo Clinic
Classification: Uncertain significance. Last evaluated: 2024-07-26. Review status: criteria provided, single submitter. Criteria: ACMG Guidelines, 2015. Collection method: clinical testing. Allele origin: germline. Observed: 1 variant allele.

Athena Diagnostics
Classification: Uncertain significance. Last evaluated: 2022-11-07. Review status: criteria provided, single submitter. Criteria: Athena Diagnostics Criteria. Collection method: clinical testing. Allele origin: unknown.
Comment: Available data are insufficient to determine the clinical significance of the variant at this time. The frequency of this variant in the general population is higher than would generally be expected for pathogenic variants in this gene. Computational tools disagree on the variant's effect on normal protein function.

Ambry Genetics
Classification: Uncertain significance for Inborn genetic diseases. Last evaluated: 2021-08-13. Review status: criteria provided, single submitter. Criteria: Ambry Variant Classification Scheme 2023. Collection method: clinical testing. Allele origin: germline.

Illumina Laboratory Services, Illumina
Classification: Uncertain significance for Posterior column ataxia-retinitis pigmentosa syndrome. Last evaluated: 2018-01-12. Review status: criteria provided, single submitter. Criteria: ICSL Variant Classification Criteria 13 December 2019. Collection method: clinical testing. Allele origin: germline.

Breakthrough Genomics
Classification: Uncertain significance. Review status: criteria provided, single submitter. Criteria: ACMG Guidelines, 2015. Collection method: not provided. Allele origin: germline. Inheritance: Autosomal recessive inheritance. Affected: yes.

Clinical Genetics DNA and cytogenetics Diagnostics Lab, Erasmus MC, Erasmus Medical Center
Classification: Uncertain significance. Review status: no assertion criteria provided. Collection method: clinical testing. Allele origin: germline. Affected: yes. Study: VKGL Data-share Consensus. Not counted in ClinVar's aggregate classification.

Clinical Genetics, Academic Medical Center
Classification: Uncertain significance. Review status: no assertion criteria provided. Collection method: clinical testing. Allele origin: germline. Affected: yes. Study: VKGL Data-share Consensus. Not counted in ClinVar's aggregate classification.